The following is an entry in ClinVar:

ClinVar aggregate classification (germline): Uncertain significance (1 of 4 stars; one submission).

Conditions:
Combined oxidative phosphorylation defect type 17. Also called: Combined oxidative phosphorylation deficiency 17. Identifiers: Orphanet 369913, MedGen C3809526, MONDO:0014190, OMIM 615440.

gnomAD v4.1: 1 of 1,614,176 alleles (0.000062%); highest among the groups gnomAD compares: Non-Finnish European, 0.000085%; no homozygotes.

Submission:

Labcorp Genetics (formerly Invitae), Labcorp
Classification: Uncertain significance for Combined oxidative phosphorylation defect type 17. Last evaluated: 2024-05-22. Review status: criteria provided, single submitter. Criteria: Invitae Variant Classification Sherloc (09022015). Collection method: clinical testing. Allele origin: germline.
Comment: This sequence change replaces glutamic acid, which is acidic and polar, with glycine, which is neutral and non-polar, at codon 314 of the ELAC2 protein (p.Glu314Gly). This variant is not present in population databases (gnomAD no frequency). This variant has not been reported in the literature in individuals affected with ELAC2-related conditions. Advanced modeling of protein sequence and biophysical properties (such as structural, functional, and spatial information, amino acid conservation, physicochemical variation, residue mobility, and thermodynamic stability) performed at Invitae indicates that this missense variant is expected to disrupt ELAC2 protein function with a positive predictive value of 80%. In summary, the available evidence is currently insufficient to determine the role of this variant in disease. Therefore, it has been classified as a Variant of Uncertain Significance.

NM_018127.7(ELAC2):c.941A>G (p.Glu314Gly)

Gene: ELAC2 (elaC ribonuclease Z 2; minus strand). Cytogenetic location: 17p12.
Variant type: single nucleotide variant.
Coding change: c.941A>G on transcript NM_018127.7 (MANE Select); coding-DNA position 941, A replaced by G.
Protein change: p.Glu314Gly; replaces glutamic acid 314 with glycine.
Molecular consequence: missense variant.
Genome position (GRCh38, 1-based): chr17:13,005,031, T>C on the plus strand (A>G on the coding strand, the complement: ELAC2 is on the minus strand). VCF-style: chr17-13005031-T-C. GRCh37 (hg19) VCF-style: chr17-12908348-T-C.
Other names: c.821A>G, p.Glu274Gly (NM_001165962.2); c.941A>G, p.Glu314Gly (NM_173717.2); short protein forms E274G, E314G.
Identifiers: ClinVar variation 3654225 (VCV003654225.2).